The following is an entry in ClinVar:

NM_173494.2(DNAAF6):c.620A>C (p.Glu207Ala)

Gene: DNAAF6 (dynein axonemal assembly factor 6; plus strand). Cytogenetic location: Xq22.3.
Variant type: single nucleotide variant.
Coding change: c.620A>C on transcript NM_173494.2 (MANE Select); coding-DNA position 620, A replaced by C.
Protein change: p.Glu207Ala; replaces glutamic acid 207 with alanine.
Molecular consequence: missense variant.
Genome position (GRCh38, 1-based): chrX:107,243,273, A>C. VCF-style: chrX-107243273-A-C. GRCh37 (hg19) VCF-style: chrX-106486503-A-C.
Other names: c.620A>C, p.Glu207Ala (NM_001169154.2); short protein forms E207A.
Identifiers: ClinVar variation 2035339 (VCV002035339.4), dbSNP rs2522811698, ClinGen allele CA413890247.

ClinVar aggregate classification (germline): Uncertain significance (1 of 4 stars; one submission).

Submission:

Labcorp Genetics (formerly Invitae), Labcorp
Classification: Uncertain significance. Last evaluated: 2022-10-26. Review status: criteria provided, single submitter. Criteria: Invitae Variant Classification Sherloc (09022015). Collection method: clinical testing. Allele origin: germline.
Comment: Algorithms developed to predict the effect of missense changes on protein structure and function are either unavailable or do not agree on the potential impact of this missense change (SIFT: "Deleterious"; PolyPhen-2: "Benign"; Align-GVGD: "Class C25"). This variant has not been reported in the literature in individuals affected with PIH1D3-related conditions. This variant is not present in population databases (gnomAD no frequency). This sequence change replaces glutamic acid, which is acidic and polar, with alanine, which is neutral and non-polar, at codon 207 of the PIH1D3 protein (p.Glu207Ala). In summary, the available evidence is currently insufficient to determine the role of this variant in disease. Therefore, it has been classified as a Variant of Uncertain Significance.